The following is an entry in ClinVar:

ClinVar aggregate classification (germline): Uncertain significance. Review status: criteria provided, multiple submitters, no conflicts (2 of 4 stars). 2 submissions from 2 submitters: Uncertain significance (2). Last evaluated 2025-08-30.

Conditions:
Inborn genetic diseases. Identifiers: MedGen C0950123, MeSH D030342.

Allele frequency attached by ClinVar (database versions not stated): TOPMed below 0.00001; gnomAD exomes 0.00001.
gnomAD v4.1: 7 of 1,613,936 alleles (0.00043%); highest among the groups gnomAD compares: South Asian, 0.0011%; no homozygotes.

Submissions (2):

Ambry Genetics
Classification: Uncertain significance for Inborn genetic diseases. Last evaluated: 2025-08-30. Review status: criteria provided, single submitter. Criteria: Ambry Variant Classification Scheme 2023. Collection method: clinical testing. Allele origin: germline.

CeGaT Center for Human Genetics Tuebingen
Classification: Uncertain significance. Last evaluated: 2022-08-01. Review status: criteria provided, single submitter. Criteria: CeGaT Center For Human Genetics Tuebingen Variant Classification Criteria Version 2. Collection method: clinical testing. Allele origin: germline. Affected: yes. Observed: 1 variant allele.
Comment: TRIP12: PM2, PP2

NM_001348323.3(TRIP12):c.4177G>A (p.Asp1393Asn)

Gene: TRIP12 (thyroid hormone receptor interactor 12; minus strand). Cytogenetic location: 2q36.3.
Variant type: single nucleotide variant.
Coding change: c.4177G>A on transcript NM_001348323.3 (MANE Select); coding-DNA position 4177, G replaced by A.
Protein change: p.Asp1393Asn; replaces aspartic acid 1393 with asparagine.
Molecular consequence: missense variant.
Genome position (GRCh38, 1-based): chr2:229,792,191, C>T on the plus strand (G>A on the coding strand, the complement: TRIP12 is on the minus strand). VCF-style: chr2-229792191-C-T. GRCh37 (hg19) VCF-style: chr2-230656907-C-T.
Other names: c.4096G>A, p.Asp1366Asn (NM_001284214.2, NM_001348315.2); c.4051G>A, p.Asp1351Asn (NM_001284215.2, NM_001348316.2); c.3142G>A, p.Asp1048Asn (NM_001284216.2); c.4036G>A, p.Asp1346Asn (NM_001348317.1, NM_001348318.2); c.4162G>A, p.Asp1388Asn (NM_001348319.1, NM_001348320.2); c.4165G>A, p.Asp1389Asn (NM_001348321.1); c.4177G>A, p.Asp1393Asn (NM_001348322.1, NM_001348324.2, NM_001348325.2 and 2 more transcripts); c.4180G>A, p.Asp1394Asn (NM_001348328.1, NM_001348329.2, NM_001348330.2); and 5 more; short protein forms D1048N, D1318N, D1319N, D1346N, D1351N, D1359N, D1366N, D1367N.
Identifiers: ClinVar variation 2651979 (VCV002651979.25), dbSNP rs962906182, ClinGen allele CA66690539.